The following is an entry in ClinVar:

ClinVar aggregate classification (germline): Pathogenic (1 of 4 stars; one submission).

Conditions:
Fanconi anemia (FA). Also called: Fanconi's anemia. Identifiers: Orphanet 84, MedGen C0015625, MeSH D005199, MONDO:0019391.

Submission:

Labcorp Genetics (formerly Invitae), Labcorp
Classification: Pathogenic for Fanconi anemia. Last evaluated: 2023-02-09. Review status: criteria provided, single submitter. Criteria: Invitae Variant Classification Sherloc (09022015). Collection method: clinical testing. Allele origin: germline.
Comment: For these reasons, this variant has been classified as Pathogenic. Algorithms developed to predict the effect of sequence changes on RNA splicing suggest that this variant may create or strengthen a splice site. ClinVar contains an entry for this variant (Variation ID: 846513). This variant has not been reported in the literature in individuals affected with FANCI-related conditions. This variant is not present in population databases (gnomAD no frequency). This sequence change creates a premature translational stop signal (p.Ser559Glnfs*17) in the FANCI gene. It is expected to result in an absent or disrupted protein product. Loss-of-function variants in FANCI are known to be pathogenic (PMID: 17452773, 17460694).

Literature cited by the submitters: PubMed 17452773; PubMed 17460694.

NM_001113378.2(FANCI):c.1674_1690del (p.Ser559fs)

Gene: FANCI (FA complementation group I; plus strand). Cytogenetic location: 15q26.1.
Variant type: Deletion.
Coding change: c.1674_1690del on transcript NM_001113378.2 (MANE Select); coding-DNA positions 1674 to 1690, 17 bases deleted (CAGTCAGTCTCTCAGTG).
Protein change: p.Ser559fs; shifts the reading frame from serine 559.
Molecular consequence: frameshift variant.
Genome position (GRCh38, 1-based): chr15:89,283,226-89,283,242, CAGTCAGTCTCTCAGTG deleted; deleting any 17 consecutive bases within chr15:89,283,217-89,283,242 gives the same sequence; the c. name uses the placement nearest the transcript's 3' end. VCF-style (leftmost placement, unchanged base first): chr15-89283216-CCTCTCAGTGCAGTCAGT-C. GRCh37 (hg19) VCF-style: chr15-89826447-CCTCTCAGTGCAGTCAGT-C.
Other names: c.1395_1411del, p.Ser466fs (NM_001376910.1); c.1674_1690del, p.Ser559fs (NM_001376911.1, NM_018193.3); short protein forms S466fs, S559fs.
Identifiers: ClinVar variation 846513 (VCV000846513.7), dbSNP rs2053682638, ClinGen allele CA916081752.